The following is an entry in ClinVar:

NM_207361.6(FREM2):c.3082A>G (p.Lys1028Glu)

Gene: FREM2 (FRAS1 related extracellular matrix 2; plus strand). Cytogenetic location: 13q13.3.
Variant type: single nucleotide variant.
Coding change: c.3082A>G on transcript NM_207361.6 (MANE Select); coding-DNA position 3082, A replaced by G.
Protein change: p.Lys1028Glu; replaces lysine 1028 with glutamic acid.
Molecular consequence: missense variant.
Genome position (GRCh38, 1-based): chr13:38,690,426, A>G. VCF-style: chr13-38690426-A-G. GRCh37 (hg19) VCF-style: chr13-39264563-A-G.
Other names: short protein forms K1028E.
Identifiers: ClinVar variation 2416012 (VCV002416012.5), dbSNP rs758531953, ClinGen allele CA6954726.

ClinVar aggregate classification (germline): Uncertain significance (1 of 4 stars; one submission).

Allele frequency attached by ClinVar (database versions not stated): ExAC 0.00001; gnomAD 0.00001; gnomAD exomes 0.00001.
gnomAD v4.1: 6 of 1,614,082 alleles (0.00037%); highest among the groups gnomAD compares: Admixed American, 0.005%; no homozygotes.

Submission:

Labcorp Genetics (formerly Invitae), Labcorp
Classification: Uncertain significance. Last evaluated: 2024-11-18. Review status: criteria provided, single submitter. Criteria: Invitae Variant Classification Sherloc (09022015). Collection method: clinical testing. Allele origin: germline.
Comment: This sequence change replaces lysine, which is basic and polar, with glutamic acid, which is acidic and polar, at codon 1028 of the FREM2 protein (p.Lys1028Glu). This variant is present in population databases (rs758531953, gnomAD 0.009%). This variant has not been reported in the literature in individuals affected with FREM2-related conditions. ClinVar contains an entry for this variant (Variation ID: 2416012). Invitae Evidence Modeling of protein sequence and biophysical properties (such as structural, functional, and spatial information, amino acid conservation, physicochemical variation, residue mobility, and thermodynamic stability) indicates that this missense variant is not expected to disrupt FREM2 protein function with a negative predictive value of 80%. In summary, the available evidence is currently insufficient to determine the role of this variant in disease. Therefore, it has been classified as a Variant of Uncertain Significance.